The following is an entry in ClinVar:

NM_000059.4(BRCA2):c.7618-15_7618-12del

Gene: BRCA2 (BRCA2 DNA repair associated; plus strand). Cytogenetic location: 13q13.1.
Variant type: Deletion.
Coding change: c.7618-15_7618-12del on transcript NM_000059.4 (MANE Select); 15 bases into the intron before coding-DNA position 7618 through 12 bases into the intron before coding-DNA position 7618, 4 bases deleted (GTTT; older notation c.7618-15_7618-12delGTTT).
Molecular consequence: intron variant.
Genome position (GRCh38, 1-based): chr13:32,357,727-32,357,730, GTTT deleted; deleting any 4 consecutive bases within chr13:32,357,726-32,357,730 gives the same sequence; the c. name uses the placement nearest the transcript's 3' end. VCF-style (leftmost placement, unchanged base first): chr13-32357725-GTGTT-G. GRCh37 (hg19) VCF-style: chr13-32931862-GTGTT-G.
Other names: c.7618-16_7618-13delTGTT (NM_000059.3); c.7618-15_7618-12delGTTT (NM_000059.3).
Identifiers: ClinVar variation 215616 (VCV000215616.13), dbSNP rs769658252, ClinGen allele CA339381.

ClinVar aggregate classification (germline): Likely benign. Review status: criteria provided, multiple submitters, no conflicts (2 of 4 stars). 5 submissions from 5 submitters: Likely benign (5). Last evaluated 2025-10-07.

Conditions:
BRCA2-related cancer predisposition. Identifiers: MedGen CN377758, MONDO:0700269.
Hereditary cancer-predisposing syndrome. Also called: Neoplastic Syndromes, Hereditary; Tumor predisposition; Hereditary Cancer Syndrome; Hereditary neoplastic syndrome. Identifiers: Orphanet 140162, MedGen C0027672, MeSH D009386, MONDO:0015356.
Hereditary breast ovarian cancer syndrome. Also called: Hereditary breast and ovarian cancer syndrome; Hereditary breast and ovarian cancer; Hereditary breast and ovarian cancer syndrome (HBOC); Breast and ovarian cancer; Hereditary breast and/or ovarian cancer syndrome; BRCA1- and BRCA2-Associated Hereditary Breast and Ovarian Cancer. Identifiers: Orphanet 145, MedGen C0677776, MeSH D061325, MONDO:0003582. Disease mechanism: loss of function.

Submissions (5):

Labcorp Genetics (formerly Invitae), Labcorp
Classification: Likely benign for Hereditary breast ovarian cancer syndrome. Last evaluated: 2025-10-07. Review status: criteria provided, single submitter. Criteria: Invitae Variant Classification Sherloc (09022015). Collection method: clinical testing. Allele origin: germline.

All of Us Research Program, National Institutes of Health
Classification: Likely benign for BRCA2-related cancer predisposition. Last evaluated: 2024-05-09. Review status: criteria provided, single submitter. Criteria: ACMG Guidelines, 2015. Collection method: clinical testing. Allele origin: germline. Inheritance: Autosomal dominant inheritance. Observed: 3 variant alleles, 3 heterozygotes.
Comment: This study involves interpretation of variants in research participants for the purpose of population health screening. Participant phenotype was not available at the time of variant classification. Additional details can be found in publication PMID: 35346344, PMCID: PMC8962531

Blueprint Genetics
Classification: Likely benign. Last evaluated: 2021-05-24. Review status: criteria provided, single submitter. Criteria: ACMG Guidelines, 2015. Collection method: clinical testing. Allele origin: germline.

GeneDx
Classification: Likely benign. Last evaluated: 2017-06-13. Review status: criteria provided, single submitter. Criteria: GeneDx Variant Classification (06012015). Collection method: clinical testing. Allele origin: germline. Affected: yes.
Comment: This variant is considered likely benign or benign based on one or more of the following criteria: it is a conservative change, it occurs at a poorly conserved position in the protein, it is predicted to be benign by multiple in silico algorithms, and/or has population frequency not consistent with disease.

Color Diagnostics, LLC DBA Color Health
Classification: Likely benign for Hereditary cancer-predisposing syndrome. Last evaluated: 2016-04-22. Review status: criteria provided, single submitter. Criteria: ACMG Guidelines, 2015. Collection method: clinical testing. Allele origin: germline.